The following is an entry in ClinVar:

NM_018180.3(DHX32):c.1715G>A (p.Arg572His)

Genes: BCCIP (BRCA2 and CDKN1A interacting protein; plus strand), DHX32 (DEAH-box helicase 32 (putative); minus strand). Cytogenetic location: 10q26.2.
Variant type: single nucleotide variant.
Coding change: c.1715G>A on transcript NM_018180.3 (MANE Select); coding-DNA position 1715, G replaced by A.
Protein change: p.Arg572His; replaces arginine 572 with histidine.
Molecular consequence: missense variant. On other transcripts: intron variant (2).
Genome position (GRCh38, 1-based): chr10:125,839,167, C>T on the plus strand (G>A on the coding strand, the complement: DHX32 is on the minus strand). VCF-style: chr10-125839167-C-T. GRCh37 (hg19) VCF-style: chr10-127527736-C-T.
Other names: c.775-2088C>T (NM_016567.4, NM_078469.3); short protein forms R572H.
Identifiers: ClinVar variation 1908757 (VCV001908757.4), dbSNP rs761424324, ClinGen allele CA5739069.

ClinVar aggregate classification (germline): Conflicting classifications of pathogenicity. Review status: criteria provided, conflicting classifications (1 of 4 stars). 2 submissions from 2 submitters: Uncertain significance (1); Likely benign (1). Last evaluated 2025-09-26.

Allele frequency attached by ClinVar (database versions not stated): ExAC 0.00001; gnomAD exomes below 0.00001; gnomAD 0.00001; TOPMed 0.00001.
gnomAD v4.1: 7 of 1,614,038 alleles (0.00043%); highest among the groups gnomAD compares: Middle Eastern, 0.016%; no homozygotes.

Submissions (2):

Ambry Genetics
Classification: Likely benign. Last evaluated: 2025-09-26. Review status: criteria provided, single submitter. Criteria: Ambry Variant Classification Scheme 2023. Collection method: clinical testing. Allele origin: germline.

Labcorp Genetics (formerly Invitae), Labcorp
Classification: Uncertain significance. Last evaluated: 2025-04-20. Review status: criteria provided, single submitter. Criteria: Invitae Variant Classification Sherloc (09022015). Collection method: clinical testing. Allele origin: germline.
Comment: This sequence change replaces arginine, which is basic and polar, with histidine, which is basic and polar, at codon 572 of the DHX32 protein (p.Arg572His). This variant is present in population databases (rs761424324, gnomAD 0.0009%). This variant has not been reported in the literature in individuals affected with DHX32-related conditions. ClinVar contains an entry for this variant (Variation ID: 1908757). An algorithm developed to predict the effect of missense changes on protein structure and function outputs the following: PolyPhen-2: "Benign". The histidine amino acid residue is found in multiple mammalian species, which suggests that this missense change does not adversely affect protein function. In summary, the available evidence is currently insufficient to determine the role of this variant in disease. Therefore, it has been classified as a Variant of Uncertain Significance.